The following is an entry in ClinVar:

ClinVar aggregate classification (germline): Uncertain significance (1 of 4 stars; one submission).

Submission:

Labcorp Genetics (formerly Invitae), Labcorp
Classification: Uncertain significance. Last evaluated: 2024-08-29. Review status: criteria provided, single submitter. Criteria: Invitae Variant Classification Sherloc (09022015). Collection method: clinical testing. Allele origin: germline.
Comment: This sequence change replaces lysine, which is basic and polar, with arginine, which is basic and polar, at codon 337 of the FH protein (p.Lys337Arg). This variant is not present in population databases (gnomAD no frequency). This variant has not been reported in the literature in individuals affected with FH-related conditions. Invitae Evidence Modeling of protein sequence and biophysical properties (such as structural, functional, and spatial information, amino acid conservation, physicochemical variation, residue mobility, and thermodynamic stability) indicates that this missense variant is expected to disrupt FH protein function with a positive predictive value of 95%. In summary, the available evidence is currently insufficient to determine the role of this variant in disease. Therefore, it has been classified as a Variant of Uncertain Significance.

NM_000143.4(FH):c.1010A>G (p.Lys337Arg)

Gene: FH (fumarate hydratase; minus strand). Cytogenetic location: 1q43.
Variant type: single nucleotide variant.
Coding change: c.1010A>G on transcript NM_000143.4 (MANE Select); coding-DNA position 1010, A replaced by G.
Protein change: p.Lys337Arg; replaces lysine 337 with arginine.
Molecular consequence: missense variant.
Genome position (GRCh38, 1-based): chr1:241,504,140, T>C on the plus strand (A>G on the coding strand, the complement: FH is on the minus strand). VCF-style: chr1-241504140-T-C. GRCh37 (hg19) VCF-style: chr1-241667440-T-C.
Other names: short protein forms K337R.
Identifiers: ClinVar variation 3663885 (VCV003663885.2).